The following is an entry in ClinVar:

ClinVar aggregate classification (germline): Uncertain significance (1 of 4 stars; one submission).

Conditions:
Gingival disorder. Also called: Gingival disease. Identifiers: MedGen C0017563, MONDO:0002021.

Allele frequency attached by ClinVar (database versions not stated): TOPMed below 0.00001.

Submission:

Labcorp Genetics (formerly Invitae), Labcorp
Classification: Uncertain significance for Gingival disorder. Last evaluated: 2023-01-12. Review status: criteria provided, single submitter. Criteria: Invitae Variant Classification Sherloc (09022015). Collection method: clinical testing. Allele origin: germline.
Comment: Algorithms developed to predict the effect of missense changes on protein structure and function (SIFT, PolyPhen-2, Align-GVGD) all suggest that this variant is likely to be tolerated. This variant has not been reported in the literature in individuals affected with FPR1-related conditions. This variant is present in population databases (no rsID available, gnomAD 0.0009%). This sequence change replaces threonine, which is neutral and polar, with lysine, which is basic and polar, at codon 15 of the FPR1 protein (p.Thr15Lys). In summary, the available evidence is currently insufficient to determine the role of this variant in disease. Therefore, it has been classified as a Variant of Uncertain Significance.

NM_002029.4(FPR1):c.44C>A (p.Thr15Lys)

Gene: FPR1 (formyl peptide receptor 1; minus strand). Cytogenetic location: 19q13.41.
Variant type: single nucleotide variant.
Coding change: c.44C>A on transcript NM_002029.4 (MANE Select); coding-DNA position 44, C replaced by A.
Protein change: p.Thr15Lys; replaces threonine 15 with lysine.
Molecular consequence: missense variant.
Genome position (GRCh38, 1-based): chr19:51,746,951, G>T on the plus strand (C>A on the coding strand, the complement: FPR1 is on the minus strand). VCF-style: chr19-51746951-G-T. GRCh37 (hg19) VCF-style: chr19-52250204-G-T.
Other names: c.44C>A, p.Thr15Lys (NM_001193306.2); short protein forms T15K.
Identifiers: ClinVar variation 2787793 (VCV002787793.3), dbSNP rs1369400642, ClinGen allele CA407121455.